The following is an entry in ClinVar:

ClinVar aggregate classification (germline): Pathogenic. Review status: reviewed by expert panel (3 of 4 stars). 7 submissions from 7 submitters: Pathogenic (1). 6 of the submissions do not count toward it. Last evaluated 2018-08-31.

Conditions:
Cystic fibrosis (CF). Also called: MUCOVISCIDOSIS. Identifiers: Orphanet 586, MedGen C0010674, MONDO:0009061, OMIM 219700. Disease mechanism: loss of function.
CFTR-related disorder (CFTR-RD). Also called: CFTR-related disorders; CFTR-related condition. Identifiers: MedGen C5924204, MONDO:7770004.

Allele frequency attached by ClinVar (database versions not stated): gnomAD exomes below 0.00001; ExAC 0.00001.
gnomAD v4.1: 1 of 1,613,622 alleles (0.000062%); highest among the groups gnomAD compares: Admixed American, 0.0017%; no homozygotes.

Submissions (7):

CFTR2
Classification: Pathogenic for Cystic fibrosis. Last evaluated: 2018-08-31. Review status: reviewed by expert panel. Criteria: Sosnay PR et al. (Nat Genet 2013). Collection method: research. Allele origin: germline. Affected: yes.

Natera, Inc.
Classification: Likely pathogenic for CFTR-related disorders. Last evaluated: 2025-12-22. Review status: criteria provided, single submitter. Criteria: Natera Variant Classification Schema (03/2026). Collection method: clinical testing. Allele origin: germline. Not counted in ClinVar's aggregate classification.
Comment: The c.305T>G variant in CFTR is a missense variant predicted to cause substitution of leucine to arginine at amino acid 102. This variant is rare in the general population with a frequency below the threshold expected for the associated phenotype(s). This variant has been observed in one or more individuals affected with the associated recessive disease, as either homozygous or compound heterozygous with a second variant (PMID: 35631432). A different variant at the same position has been determined to be Pathogenic or Likely Pathogenic. Computational prediction algorithms indicate this variant is likely to affect gene or protein function. Given the available evidence, this variant is classified as Likely Pathogenic.

Women's Health and Genetics/Laboratory Corporation of America, LabCorp
Classification: Likely pathogenic for Cystic fibrosis. Last evaluated: 2025-12-09. Review status: criteria provided, single submitter. Criteria: LabCorp Variant Classification Summary - May 2015. Collection method: clinical testing. Allele origin: germline. Not counted in ClinVar's aggregate classification.
Comment: Variant summary: CFTR c.305T>G (p.Leu102Arg) results in a non-conservative amino acid change in the encoded protein sequence. Algorithms developed to predict the effect of missense changes on protein structure and function all suggest that this variant is likely to be disruptive. The variant allele was found at a frequency of 4e-06 in 251112 control chromosomes. These data do not allow any conclusion about variant significance. At least one publication reports experimental evidence evaluating an impact on protein function. The most pronounced variant effect resulted in approximately 0.3% of normal chloride channel conductance relative to wild type (e.g., Bihler_2024). The following publications have been ascertained in the context of this evaluation (PMID: 19236881, 25735457, 26574590, 27214204, 25880441, 32484936, 38388235). ClinVar contains an entry for this variant (Variation ID: 554293). Based on the evidence outlined above, the variant was classified as likely pathogenic.

Ambry Genetics
Classification: Likely pathogenic for Cystic fibrosis. Last evaluated: 2023-01-31. Review status: criteria provided, single submitter. Criteria: Ambry Variant Classification Scheme 2023. Collection method: clinical testing. Allele origin: germline. Not counted in ClinVar's aggregate classification.
Comment: The p.L102R variant (also known as c.305T>G), located in coding exon 4 of the CFTR gene, results from a T to G substitution at nucleotide position 305. The leucine at codon 102 is replaced by arginine, an amino acid with dissimilar properties. This variant has been detected in conjunction with p.F1016S in the CFTR gene in multiple individuals; family studies indicated that these two variants are on the same chromosome (Ambry internal data). This variant has been detected in an individual with an abnormal newborn screening with elevated sweat chloride levels and pancreatic insufficiency in conjunction with p.F508del and p.F1016S (Salinas DB et al. PLoS One, 2016 May;11:e0155624). In CFBE cells, this variant had significantly reduced CFTR function compared to wild type (The Clinical and Functional TRanslation of CFTR (CFTR2); available at CFTR2. Accessed <April 27, 2021>). This variant is considered to be rare based on population cohorts in the Genome Aggregation Database (gnomAD). This amino acid position is highly conserved in available vertebrate species. In addition, this alteration is predicted to be deleterious by in silico analysis. Based on the majority of available evidence to date, this variant is likely to be pathogenic.

Johns Hopkins Genomics, Johns Hopkins University
Classification: Likely pathogenic for Cystic fibrosis. Last evaluated: 2022-12-27. Review status: criteria provided, single submitter. Criteria: ACMG Guidelines, 2015. Collection method: clinical testing. Allele origin: germline. Not counted in ClinVar's aggregate classification.
Comment: Disease-causing CFTR variant. See CFTR2 for phenotype information.

Labcorp Genetics (formerly Invitae), Labcorp
Classification: Uncertain significance for Cystic fibrosis. Last evaluated: 2021-08-20. Review status: criteria provided, single submitter. Criteria: Invitae Variant Classification Sherloc (09022015). Collection method: clinical testing. Allele origin: germline. Not counted in ClinVar's aggregate classification.
Comment: Algorithms developed to predict the effect of missense changes on protein structure and function are either unavailable or do not agree on the potential impact of this missense change (SIFT: "Deleterious"; PolyPhen-2: "Probably Damaging"; Align-GVGD: "Class C0"). ClinVar contains an entry for this variant (Variation ID: 554293). This missense change has been observed in individual(s) with cystic fibrosis (PMID: 27214204). This variant is present in population databases (rs397508490, ExAC 0.009%). This sequence change replaces leucine with arginine at codon 102 of the CFTR protein (p.Leu102Arg). The leucine residue is highly conserved and there is a moderate physicochemical difference between leucine and arginine. In summary, the available evidence is currently insufficient to determine the role of this variant in disease. Therefore, it has been classified as a Variant of Uncertain Significance. Experimental studies are conflicting or provide insufficient evidence to determine the effect of this variant on CFTR function (PMID: 19236881). This variant disrupts the p.Leu102 amino acid residue in CFTR. Other variant(s) that disrupt this residue have been determined to be pathogenic (PMID: 21708286). This suggests that this residue is clinically significant, and that variants that disrupt this residue are likely to be disease-causing.

Counsyl
Classification: Uncertain significance for Cystic fibrosis. Last evaluated: 2017-10-24. Review status: no assertion criteria provided. Collection method: clinical testing. Allele origin: unknown. Not counted in ClinVar's aggregate classification.

Literature cited by the submitters: PubMed 35631432 (cited by Natera, Inc.); PubMed 19236881 (cited by 4 submitters); PubMed 25735457 (cited by Women's Health and Genetics/Laboratory Corporation of America, LabCorp); PubMed 26574590 (cited by 3 submitters); PubMed 27214204 (cited by 3 submitters); PubMed 25880441 (cited by Women's Health and Genetics/Laboratory Corporation of America, LabCorp); PubMed 32484936 (cited by Women's Health and Genetics/Laboratory Corporation of America, LabCorp); PubMed 38388235 (cited by Women's Health and Genetics/Laboratory Corporation of America, LabCorp); PubMed 23974870 (cited by Ambry Genetics); PubMed 21708286 (cited by Labcorp Genetics (formerly Invitae), Labcorp).

NM_000492.4(CFTR):c.305T>G (p.Leu102Arg)

Gene: CFTR (CF transmembrane conductance regulator; plus strand). Cytogenetic location: 7q31.2.
Variant type: single nucleotide variant.
Coding change: c.305T>G on transcript NM_000492.4 (MANE Select); coding-DNA position 305, T replaced by G.
Protein change: p.Leu102Arg; replaces leucine 102 with arginine.
Molecular consequence: missense variant.
Genome position (GRCh38, 1-based): chr7:117,530,930, T>G. VCF-style: chr7-117530930-T-G. GRCh37 (hg19) VCF-style: chr7-117170984-T-G.
Other names: short protein forms L102R.
Identifiers: ClinVar variation 554293 (VCV000554293.18), dbSNP rs397508490, ClinGen allele CA4450702.